The following is an entry in ClinVar:

ClinVar aggregate classification (germline): Uncertain significance (1 of 4 stars; one submission).

Allele frequency attached by ClinVar (database versions not stated): gnomAD exomes below 0.00001.
gnomAD v4.1: 1 of 1,613,256 alleles (0.000062%); highest among the groups gnomAD compares: East Asian, 0.0022%; no homozygotes.

Submission:

Ambry Genetics
Classification: Uncertain significance. Last evaluated: 2022-11-17. Review status: criteria provided, single submitter. Criteria: Ambry Variant Classification Scheme 2023. Collection method: clinical testing. Allele origin: germline.
Comment: The p.A243S variant (also known as c.727G>T), located in coding exon 1 of the MLH3 gene, results from a G to T substitution at nucleotide position 727. The alanine at codon 243 is replaced by serine, an amino acid with similar properties. This amino acid position is conserved. In addition, this alteration is predicted to be tolerated by in silico analysis. Since supporting evidence is limited at this time, the clinical significance of this alteration remains unclear.

NM_001040108.2(MLH3):c.727G>T (p.Ala243Ser)

Gene: MLH3 (mutL homolog 3; minus strand). Cytogenetic location: 14q24.3.
Variant type: single nucleotide variant.
Coding change: c.727G>T on transcript NM_001040108.2 (MANE Select); coding-DNA position 727, G replaced by T.
Protein change: p.Ala243Ser; replaces alanine 243 with serine.
Molecular consequence: missense variant.
Genome position (GRCh38, 1-based): chr14:75,048,929, C>A on the plus strand (G>T on the coding strand, the complement: MLH3 is on the minus strand). VCF-style: chr14-75048929-C-A. GRCh37 (hg19) VCF-style: chr14-75515632-C-A.
Other names: c.727G>T, p.Ala243Ser (NM_014381.3); short protein forms A243S.
Identifiers: ClinVar variation 2497084 (VCV002497084.2), dbSNP rs1035717109, ClinGen allele CA390449407.